The following is an entry in ClinVar:

ClinVar aggregate classification (germline): Benign/Likely benign. Review status: criteria provided, multiple submitters, no conflicts (2 of 4 stars). 4 submissions from 4 submitters: Benign (3); Likely benign (1). Last evaluated 2026-01-28.

Conditions:
Familial sleep-related hypermotor epilepsy. Also called: Autosomal Dominant Sleep-Related Hypermotor (Hyperkinetic) Epilepsy. Identifiers: Orphanet 98784, MedGen C3696898, MONDO:0000030.

Allele frequency attached by ClinVar (database versions not stated): ExAC 0.00140; 1000 Genomes Project 30x 0.00344; 1000 Genomes Project 0.00379; gnomAD 0.00395 and 0.00425; ESP Exome Variant Server 0.00400; TOPMed 0.00471.
gnomAD v4.1: 1,144 of 1,611,430 alleles (0.071%); highest among the groups gnomAD compares: African/African-American, 1.4%; 10 homozygotes.

Submissions (4):

Labcorp Genetics (formerly Invitae), Labcorp
Classification: Benign. Last evaluated: 2026-01-28. Review status: criteria provided, single submitter. Criteria: Invitae Variant Classification Sherloc (09022015). Collection method: clinical testing. Allele origin: germline.

Blueprint Genetics
Classification: Likely benign. Last evaluated: 2024-08-30. Review status: criteria provided, single submitter. Criteria: ACMG Guidelines, 2015. Collection method: clinical testing. Allele origin: germline.

ARUP Laboratories, Molecular Genetics and Genomics, ARUP Laboratories
Classification: Benign. Last evaluated: 2024-01-17. Review status: criteria provided, single submitter. Criteria: ARUP Molecular Germline Variant Investigation Process 2024. Collection method: clinical testing. Allele origin: germline.

GeneDx
Classification: Benign. Last evaluated: 2013-05-13. Review status: criteria provided, single submitter. Criteria: GeneDx Variant Classification (06012015). Collection method: clinical testing. Allele origin: germline. Affected: yes.
Comment: This variant is considered likely benign or benign based on one or more of the following criteria: it is a conservative change, it occurs at a poorly conserved position in the protein, it is predicted to be benign by multiple in silico algorithms, and/or has population frequency not consistent with disease.

NM_000744.7(CHRNA4):c.384-11T>G

Gene: CHRNA4 (cholinergic receptor nicotinic alpha 4 subunit; minus strand). Cytogenetic location: 20q13.33.
Variant type: single nucleotide variant.
Coding change: c.384-11T>G on transcript NM_000744.7 (MANE Select); 11 bases into the intron before coding-DNA position 384, T replaced by G.
Molecular consequence: intron variant.
Genome position (GRCh38, 1-based): chr20:63,351,038, A>C on the plus strand (T>G on the coding strand, the complement: CHRNA4 is on the minus strand). VCF-style: chr20-63351038-A-C. GRCh37 (hg19) VCF-style: chr20-61982390-A-C.
Other names: c.-145-11T>G (NM_001256573.2).
Identifiers: ClinVar variation 136755 (VCV000136755.11), dbSNP rs201015514, ClinGen allele CA290084.